The following is an entry in ClinVar:

ClinVar aggregate classification (germline): Uncertain significance. Review status: criteria provided, multiple submitters, no conflicts (2 of 4 stars). 2 submissions from 2 submitters: Uncertain significance (2). Last evaluated 2026-01-26.

Allele frequency attached by ClinVar (database versions not stated): ESP Exome Variant Server 0.00008; TOPMed 0.00015; gnomAD exomes 0.00017; gnomAD 0.00019 and 0.00020; ExAC 0.00024.
gnomAD v4.1: 286 of 1,602,304 alleles (0.018%); highest among the groups gnomAD compares: Non-Finnish European, 0.021%; no homozygotes.

Submissions (2):

Labcorp Genetics (formerly Invitae), Labcorp
Classification: Uncertain significance. Last evaluated: 2026-01-26. Review status: criteria provided, single submitter. Criteria: Invitae Variant Classification Sherloc (09022015). Collection method: clinical testing. Allele origin: germline.
Comment: This sequence change creates a premature translational stop signal (p.Gln44*) in the FSCN2 gene. It is expected to result in an absent or disrupted protein product. However, the current clinical and genetic evidence is not sufficient to establish whether loss-of-function variants in FSCN2 cause disease. This variant is present in population databases (rs200925863, gnomAD 0.08%), and has an allele count higher than expected for a pathogenic variant. This variant has not been reported in the literature in individuals affected with FSCN2-related conditions. ClinVar contains an entry for this variant (Variation ID: 286516). In summary, the available evidence is currently insufficient to determine the role of this variant in disease. Therefore, it has been classified as a Variant of Uncertain Significance.

Eurofins Ntd Llc (ga)
Classification: Uncertain significance. Last evaluated: 2016-04-04. Review status: criteria provided, single submitter. Criteria: EGL Classification Definitions 2015. Collection method: clinical testing. Allele origin: germline. Observed: 1 variant allele, 1 heterozygote.

NM_012418.4(FSCN2):c.130C>T (p.Gln44Ter)

Gene: FSCN2 (fascin actin-bundling protein 2, retinal; plus strand). Cytogenetic location: 17q25.3.
Variant type: single nucleotide variant.
Coding change: c.130C>T on transcript NM_012418.4 (MANE Select); coding-DNA position 130, C replaced by T.
Protein change: p.Gln44Ter; replaces glutamine 44 with a stop codon.
Molecular consequence: nonsense.
Genome position (GRCh38, 1-based): chr17:81,528,661, C>T. VCF-style: chr17-81528661-C-T. GRCh37 (hg19) VCF-style: chr17-79495687-C-T.
Other names: c.130C>T, p.Gln44Ter (NM_001077182.3); short protein forms Q44*.
Identifiers: ClinVar variation 286516 (VCV000286516.12), dbSNP rs200925863, ClinGen allele CA8836590.